The following is an entry in ClinVar:

NM_005901.6(SMAD2):c.985A>G (p.Arg329Gly)

Gene: SMAD2 (SMAD family member 2; minus strand). Cytogenetic location: 18q21.1.
Variant type: single nucleotide variant.
Coding change: c.985A>G on transcript NM_005901.6 (MANE Select); coding-DNA position 985, A replaced by G.
Protein change: p.Arg329Gly; replaces arginine 329 with glycine.
Molecular consequence: missense variant.
Genome position (GRCh38, 1-based): chr18:47,848,487, T>C on the plus strand (A>G on the coding strand, the complement: SMAD2 is on the minus strand). VCF-style: chr18-47848487-T-C. GRCh37 (hg19) VCF-style: chr18-45374858-T-C.
Other names: c.985A>G, p.Arg329Gly (NM_001003652.4); c.895A>G, p.Arg299Gly (NM_001135937.3); short protein forms R299G, R329G.
Identifiers: ClinVar variation 1385209 (VCV001385209.6), dbSNP rs2144299416, ClinGen allele CA402504260.

ClinVar aggregate classification (germline): Pathogenic (1 of 4 stars; one submission).

Submission:

Labcorp Genetics (formerly Invitae), Labcorp
Classification: Pathogenic. Last evaluated: 2022-10-17. Review status: criteria provided, single submitter. Criteria: Invitae Variant Classification Sherloc (09022015). Collection method: clinical testing. Allele origin: germline.
Comment: For these reasons, this variant has been classified as Pathogenic. Advanced modeling of protein sequence and biophysical properties (such as structural, functional, and spatial information, amino acid conservation, physicochemical variation, residue mobility, and thermodynamic stability) performed at Invitae indicates that this missense variant is expected to disrupt SMAD2 protein function. ClinVar contains an entry for this variant (Variation ID: 1385209). This missense change has been observed in individual(s) with clinical features of SMAD2-related conditions (Invitae). In at least one individual the variant was observed to be de novo. This variant is not present in population databases (gnomAD no frequency). This sequence change replaces arginine, which is basic and polar, with glycine, which is neutral and non-polar, at codon 329 of the SMAD2 protein (p.Arg329Gly).